The following is an entry in ClinVar:

NM_019032.6(ADAMTSL4):c.647C>T (p.Pro216Leu)

Genes: ADAMTSL4 (ADAMTS like 4; plus strand), ADAMTSL4-AS2 (ADAMTSL4 antisense RNA 2; minus strand). Cytogenetic location: 1q21.2.
Variant type: single nucleotide variant.
Coding change: c.647C>T on transcript NM_019032.6 (MANE Select); coding-DNA position 647, C replaced by T.
Protein change: p.Pro216Leu; replaces proline 216 with leucine.
Molecular consequence: missense variant.
Genome position (GRCh38, 1-based): chr1:150,553,638, C>T. VCF-style: chr1-150553638-C-T. GRCh37 (hg19) VCF-style: chr1-150526114-C-T.
Other names: c.647C>T, p.Pro216Leu (NM_001288607.2, NM_001288608.2, NM_001378596.1 and 1 more transcripts); short protein forms P216L.
Identifiers: ClinVar variation 1386145 (VCV001386145.3), dbSNP rs779305942, ClinGen allele CA1078007.

ClinVar aggregate classification (germline): Uncertain significance (1 of 4 stars; one submission).

Allele frequency attached by ClinVar (database versions not stated): TOPMed below 0.00001; ExAC 0.00001; gnomAD 0.00001 and 0.00002; gnomAD exomes 0.00001.
gnomAD v4.1: 12 of 1,613,684 alleles (0.00074%); highest among the groups gnomAD compares: Non-Finnish European, 0.001%; no homozygotes.

Submission:

Labcorp Genetics (formerly Invitae), Labcorp
Classification: Uncertain significance. Last evaluated: 2021-10-11. Review status: criteria provided, single submitter. Criteria: Invitae Variant Classification Sherloc (09022015). Collection method: clinical testing. Allele origin: germline.
Comment: This sequence change replaces proline with leucine at codon 216 of the ADAMTSL4 protein (p.Pro216Leu). The proline residue is moderately conserved and there is a moderate physicochemical difference between proline and leucine. This variant is present in population databases (rs779305942, ExAC 0.001%). This variant has not been reported in the literature in individuals affected with ADAMTSL4-related conditions. Algorithms developed to predict the effect of missense changes on protein structure and function (SIFT, PolyPhen-2, Align-GVGD) all suggest that this variant is likely to be tolerated. In summary, the available evidence is currently insufficient to determine the role of this variant in disease. Therefore, it has been classified as a Variant of Uncertain Significance.